The following is an entry in ClinVar:

NM_000540.3(RYR1):c.7725C>T (p.Arg2575=)

Gene: RYR1 (ryanodine receptor 1; plus strand). Cytogenetic location: 19q13.2.
Variant type: single nucleotide variant.
Coding change: c.7725C>T on transcript NM_000540.3 (MANE Select); coding-DNA position 7725, C replaced by T.
Protein change: p.Arg2575=; no amino-acid change (arginine 2575 retained).
Molecular consequence: synonymous variant.
Genome position (GRCh38, 1-based): chr19:38,502,617, C>T. VCF-style: chr19-38502617-C-T. GRCh37 (hg19) VCF-style: chr19-38993257-C-T.
Other names: c.7725C>T, p.Arg2575= (NM_001042723.2).
Identifiers: ClinVar variation 478276 (VCV000478276.30), dbSNP rs1020398192, ClinGen allele CA082562.
Genomic context (GRCh38, chr19:38,502,617, plus strand): 5'-CCTGGCCGTGCTGCCGCTCATCACCAAGTGTGCGCCGCTCTTTGCGGGCACAGAACACCG[C>T]GCCATCATGGTGGACTCTATGCTGCATACCGTGTACCGCCTGTCTCGGGGTCGTTCGCTC-3'
Protein context (NP_000531.2, residues 2565-2585): CAPLFAGTEH[Arg2575=]AIMVDSMLHT

ClinVar aggregate classification (germline): Likely benign. Review status: criteria provided, multiple submitters, no conflicts (2 of 4 stars). 4 submissions from 4 submitters: Likely benign (4). Last evaluated 2024-10-16.

Conditions:
Malignant hyperthermia, susceptibility to, 1 (MHS1). Also called: Malignant hyperthermia suceptibility 1; Anesthesia related hyperthermia; Malignant hyperpyrexia; Fulminating hyperpyrexia; Pharmacogenic myopathy; RYR1-Related Malignant Hyperthermia Susceptibility. Identifiers: Orphanet 423, MedGen C2930980, MONDO:0007783, OMIM 145600.
RYR1-related disorder. Also called: RYR1-related disorders; RYR1-related condition. Identifiers: MedGen CN239331.

gnomAD v4.1: 8 of 1,613,120 alleles (0.0005%); highest among the groups gnomAD compares: South Asian, 0.0011%; no homozygotes.

Submissions (4):

Labcorp Genetics (formerly Invitae), Labcorp
Classification: Likely benign for RYR1-related disorder. Last evaluated: 2024-10-16. Review status: criteria provided, single submitter. Criteria: Invitae Variant Classification Sherloc (09022015). Collection method: clinical testing. Allele origin: germline.

CeGaT Center for Human Genetics Tuebingen
Classification: Likely benign. Last evaluated: 2024-03-01. Review status: criteria provided, single submitter. Criteria: CeGaT Center For Human Genetics Tuebingen Variant Classification Criteria Version 2. Collection method: clinical testing. Allele origin: germline. Affected: yes. Observed: 1 variant allele.
Comment: RYR1: BP4, BP7

Blueprint Genetics
Classification: Likely benign. Last evaluated: 2023-11-30. Review status: criteria provided, single submitter. Criteria: ACMG Guidelines, 2015. Collection method: clinical testing. Allele origin: germline.

Color Diagnostics, LLC DBA Color Health
Classification: Likely benign for Malignant hyperthermia, susceptibility to, 1. Last evaluated: 2022-11-06. Review status: criteria provided, single submitter. Criteria: ACMG Guidelines, 2015. Collection method: clinical testing. Allele origin: germline.